The following is an entry in ClinVar:

NM_004998.4(MYO1E):c.839C>T (p.Ala280Val)

Gene: MYO1E (myosin IE; minus strand). Cytogenetic location: 15q22.2.
Variant type: single nucleotide variant.
Coding change: c.839C>T on transcript NM_004998.4 (MANE Select); coding-DNA position 839, C replaced by T.
Protein change: p.Ala280Val; replaces alanine 280 with valine.
Molecular consequence: missense variant.
Genome position (GRCh38, 1-based): chr15:59,223,130, G>A on the plus strand (C>T on the coding strand, the complement: MYO1E is on the minus strand). VCF-style: chr15-59223130-G-A. GRCh37 (hg19) VCF-style: chr15-59515329-G-A.
Other names: short protein forms A280V.
Identifiers: ClinVar variation 1037008 (VCV001037008.8), dbSNP rs375751619, ClinGen allele CA7590180.

ClinVar aggregate classification (germline): Uncertain significance. Review status: criteria provided, multiple submitters, no conflicts (2 of 4 stars). 2 submissions from 2 submitters: Uncertain significance (2). Last evaluated 2022-06-18.

Conditions:
Focal segmental glomerulosclerosis 6 (FSGS6). Identifiers: Orphanet 656, MedGen C3279905, MONDO:0013589, OMIM 614131.

Allele frequency attached by ClinVar (database versions not stated): gnomAD exomes 0.00001; ExAC 0.00002; TOPMed 0.00003; gnomAD 0.00004; ESP Exome Variant Server 0.00008.
gnomAD v4.1: 15 of 1,614,008 alleles (0.00093%); highest among the groups gnomAD compares: African/African-American, 0.0027%; no homozygotes.

Submissions (3):

Labcorp Genetics (formerly Invitae), Labcorp
Classification: Uncertain significance. Last evaluated: 2022-06-18. Review status: criteria provided, single submitter. Criteria: Invitae Variant Classification Sherloc (09022015). Collection method: clinical testing. Allele origin: germline.
Comment: This sequence change replaces alanine, which is neutral and non-polar, with valine, which is neutral and non-polar, at codon 280 of the MYO1E protein (p.Ala280Val). This variant is present in population databases (rs375751619, gnomAD 0.007%). This variant has not been reported in the literature in individuals affected with MYO1E-related conditions. ClinVar contains an entry for this variant (Variation ID: 1037008). Algorithms developed to predict the effect of missense changes on protein structure and function are either unavailable or do not agree on the potential impact of this missense change (SIFT: "Deleterious"; PolyPhen-2: "Possibly Damaging"; Align-GVGD: "Class C0"). Algorithms developed to predict the effect of sequence changes on RNA splicing suggest that this variant may create or strengthen a splice site. In summary, the available evidence is currently insufficient to determine the role of this variant in disease. Therefore, it has been classified as a Variant of Uncertain Significance.

Fulgent Genetics
Classification: Uncertain significance for Focal segmental glomerulosclerosis 6. Last evaluated: 2021-12-22. Review status: criteria provided, single submitter. Criteria: ACMG Guidelines, 2015. Collection method: clinical testing. Allele origin: unknown.

Dr. Peter K. Rogan Lab, Western University
No classification provided (evidence only). Condition: Familial cancer of breast. Review status: no classification provided. Collection method: in vitro. Allele origin: not applicable. Functional consequence: retained intron. Not counted in ClinVar's aggregate classification.